The following is an entry in ClinVar:

NM_006204.4(PDE6C):c.732G>A (p.Met244Ile)

Gene: PDE6C (phosphodiesterase 6C; plus strand). Cytogenetic location: 10q23.33.
Variant type: single nucleotide variant.
Coding change: c.732G>A on transcript NM_006204.4 (MANE Select); coding-DNA position 732, G replaced by A.
Protein change: p.Met244Ile; replaces methionine 244 with isoleucine.
Molecular consequence: missense variant.
Genome position (GRCh38, 1-based): chr10:93,621,940, G>A. VCF-style: chr10-93621940-G-A. GRCh37 (hg19) VCF-style: chr10-95381697-G-A.
Other names: short protein forms M244I.
Identifiers: ClinVar variation 1387875 (VCV001387875.3), dbSNP rs2134595123, ClinGen allele CA377628073.

ClinVar aggregate classification (germline): Uncertain significance (1 of 4 stars; one submission).

Submission:

Labcorp Genetics (formerly Invitae), Labcorp
Classification: Uncertain significance. Last evaluated: 2021-12-02. Review status: criteria provided, single submitter. Criteria: Invitae Variant Classification Sherloc (09022015). Collection method: clinical testing. Allele origin: germline.
Comment: This sequence change replaces methionine, which is neutral and non-polar, with isoleucine, which is neutral and non-polar, at codon 244 of the PDE6C protein (p.Met244Ile). This variant is not present in population databases (gnomAD no frequency). This variant has not been reported in the literature in individuals affected with PDE6C-related conditions. Algorithms developed to predict the effect of missense changes on protein structure and function (SIFT, PolyPhen-2, Align-GVGD) all suggest that this variant is likely to be tolerated. In summary, the available evidence is currently insufficient to determine the role of this variant in disease. Therefore, it has been classified as a Variant of Uncertain Significance.